The following is an entry in ClinVar:

ClinVar aggregate classification (germline): Uncertain significance. Review status: criteria provided, multiple submitters, no conflicts (2 of 4 stars). 3 submissions from 3 submitters: Uncertain significance (3). Last evaluated 2025-04-08.

Conditions:
Hyper-IgM syndrome type 5 (HIGM5). Also called: Hyper-IgM Immunodeficiency Syndrome, Type 5. Identifiers: Orphanet 101092, MedGen C1720958, MONDO:0011971, OMIM 608106.

Allele frequency attached by ClinVar (database versions not stated): gnomAD exomes 0.00010 and 0.00014; gnomAD 0.00011; TOPMed 0.00014; 1000 Genomes Project 30x 0.00016; ExAC 0.00017.
gnomAD v4.1: 220 of 1,595,840 alleles (0.014%); highest among the groups gnomAD compares: Admixed American, 0.019%; no homozygotes.

Submissions (3):

Ambry Genetics
Classification: Uncertain significance. Last evaluated: 2025-04-08. Review status: criteria provided, single submitter. Criteria: Ambry Variant Classification Scheme 2023. Collection method: clinical testing. Allele origin: germline.

Blueprint Genetics
Classification: Uncertain significance. Last evaluated: 2024-02-21. Review status: criteria provided, single submitter. Criteria: ACMG Guidelines, 2015. Collection method: clinical testing. Allele origin: germline.

Labcorp Genetics (formerly Invitae), Labcorp
Classification: Uncertain significance for Hyper-IgM syndrome type 5. Last evaluated: 2022-09-26. Review status: criteria provided, single submitter. Criteria: Invitae Variant Classification Sherloc (09022015). Collection method: clinical testing. Allele origin: germline.
Comment: This sequence change replaces phenylalanine, which is neutral and non-polar, with serine, which is neutral and polar, at codon 11 of the UNG protein (p.Phe11Ser). This variant is present in population databases (rs747684225, gnomAD 0.02%). This variant has not been reported in the literature in individuals affected with UNG-related conditions. ClinVar contains an entry for this variant (Variation ID: 947219). Algorithms developed to predict the effect of missense changes on protein structure and function are either unavailable or do not agree on the potential impact of this missense change (SIFT: "Deleterious"; PolyPhen-2: "Benign"; Align-GVGD: "Class C0"). In summary, the available evidence is currently insufficient to determine the role of this variant in disease. Therefore, it has been classified as a Variant of Uncertain Significance.

NM_080911.3(UNG):c.32T>C (p.Phe11Ser)

Gene: UNG (uracil DNA glycosylase; plus strand). Cytogenetic location: 12q24.11.
Variant type: single nucleotide variant.
Coding change: c.32T>C on transcript NM_080911.3 (MANE Select); coding-DNA position 32, T replaced by C.
Protein change: p.Phe11Ser; replaces phenylalanine 11 with serine.
Molecular consequence: missense variant.
Genome position (GRCh38, 1-based): chr12:109,097,711, T>C. VCF-style: chr12-109097711-T-C. GRCh37 (hg19) VCF-style: chr12-109535516-T-C.
Other names: short protein forms F11S.
Identifiers: ClinVar variation 947219 (VCV000947219.8), dbSNP rs747684225, ClinGen allele CA6772435.